The following is an entry in ClinVar:

ClinVar aggregate classification (germline): Uncertain significance. Review status: criteria provided, multiple submitters, no conflicts (2 of 4 stars). 3 submissions from 3 submitters: Uncertain significance (3). Last evaluated 2022-08-16.

Conditions:
Nephronophthisis. Also called: Juvenile Nephronophthisis. Identifiers: Orphanet 655, MedGen C0687120, MONDO:0019005, HP:0000090.
Senior-Loken syndrome 4 (SLSN4). Identifiers: Orphanet 3156, MedGen C1846979, MONDO:0011756, OMIM 606996.
Nephronophthisis 4 (NPHP4). Also called: NEPHRONOPHTHISIS 4, JUVENILE. Identifiers: Orphanet 655, MedGen C1847013, MONDO:0011752, OMIM 606966.

Allele frequency attached by ClinVar (database versions not stated): ExAC 0.00002; gnomAD exomes 0.00002; gnomAD 0.00003; TOPMed 0.00003; 1000 Genomes Project 30x 0.00016; 1000 Genomes Project 0.00020.
gnomAD v4.1: 14 of 1,610,930 alleles (0.00087%); highest among the groups gnomAD compares: South Asian, 0.0066%; no homozygotes.

Submissions (3):

Labcorp Genetics (formerly Invitae), Labcorp
Classification: Uncertain significance for Nephronophthisis. Last evaluated: 2022-08-16. Review status: criteria provided, single submitter. Criteria: Invitae Variant Classification Sherloc (09022015). Collection method: clinical testing. Allele origin: germline.
Comment: This sequence change replaces proline, which is neutral and non-polar, with leucine, which is neutral and non-polar, at codon 1151 of the NPHP4 protein (p.Pro1151Leu). This variant is present in population databases (rs549077156, gnomAD 0.01%). This variant has not been reported in the literature in individuals affected with NPHP4-related conditions. ClinVar contains an entry for this variant (Variation ID: 502416). Algorithms developed to predict the effect of missense changes on protein structure and function output the following: SIFT: "Deleterious"; PolyPhen-2: "Possibly Damaging"; Align-GVGD: "Class C0". The leucine amino acid residue is found in multiple mammalian species, which suggests that this missense change does not adversely affect protein function. In summary, the available evidence is currently insufficient to determine the role of this variant in disease. Therefore, it has been classified as a Variant of Uncertain Significance.

Fulgent Genetics
Classification: Uncertain significance for Nephronophthisis 4; Senior-Loken syndrome 4. Last evaluated: 2021-11-30. Review status: criteria provided, single submitter. Criteria: ACMG Guidelines, 2015. Collection method: clinical testing. Allele origin: unknown.

Eurofins Ntd Llc (ga)
Classification: Uncertain significance. Last evaluated: 2017-06-02. Review status: criteria provided, single submitter. Criteria: EGL Classification Definitions 2015. Collection method: clinical testing. Allele origin: germline. Observed: 1 variant allele, 1 heterozygote.

NM_015102.5(NPHP4):c.3452C>T (p.Pro1151Leu)

Gene: NPHP4 (nephrocystin 4; minus strand). Cytogenetic location: 1p36.31.
Variant type: single nucleotide variant.
Coding change: c.3452C>T on transcript NM_015102.5 (MANE Select); coding-DNA position 3452, C replaced by T.
Protein change: p.Pro1151Leu; replaces proline 1151 with leucine.
Molecular consequence: missense variant. On other transcripts: non-coding transcript variant (1).
Genome position (GRCh38, 1-based): chr1:5,867,760, G>A on the plus strand (C>T on the coding strand, the complement: NPHP4 is on the minus strand). VCF-style: chr1-5867760-G-A. GRCh37 (hg19) VCF-style: chr1-5927820-G-A.
Other names: c.1913C>T, p.Pro638Leu (NM_001291593.2); c.1916C>T, p.Pro639Leu (NM_001291594.2); short protein forms P1151L, P638L, P639L.
Identifiers: ClinVar variation 502416 (VCV000502416.8), dbSNP rs549077156, ClinGen allele CA553616.